The following is an entry in ClinVar:

NM_138615.3(DHX30):c.1175C>T (p.Pro392Leu)

Gene: DHX30 (DExH-box helicase 30; plus strand). Cytogenetic location: 3p21.31.
Variant type: single nucleotide variant.
Coding change: c.1175C>T on transcript NM_138615.3 (MANE Select); coding-DNA position 1175, C replaced by T.
Protein change: p.Pro392Leu; replaces proline 392 with leucine.
Molecular consequence: missense variant.
Genome position (GRCh38, 1-based): chr3:47,846,247, C>T. VCF-style: chr3-47846247-C-T. GRCh37 (hg19) VCF-style: chr3-47887737-C-T.
Other names: c.1091C>T, p.Pro364Leu (NM_001330990.2); c.1058C>T, p.Pro353Leu (NM_014966.4); short protein forms P392L, P364L, P353L.
Identifiers: ClinVar variation 3839821 (VCV003839821.3).

ClinVar aggregate classification (germline): Uncertain significance. Review status: criteria provided, multiple submitters, no conflicts (2 of 4 stars). 2 submissions from 2 submitters: Uncertain significance (2). Last evaluated 2026-01-20.

Conditions:
Inborn genetic diseases. Identifiers: MedGen C0950123, MeSH D030342.
Neurodevelopmental disorder with severe motor impairment and absent language. Also called: NEURODEVELOPMENTAL DISORDER WITH VARIABLE MOTOR AND LANGUAGE IMPAIRMENT. Identifiers: Orphanet 647788, MedGen C4540496, MONDO:0060622, OMIM 617804.

gnomAD v4.1: 3 of 1,614,210 alleles (0.00019%); highest among the groups gnomAD compares: Admixed American, 0.0033%; no homozygotes.

Submissions (2):

Dasa
Classification: Uncertain significance for Neurodevelopmental disorder with severe motor impairment and absent language. Last evaluated: 2026-01-20. Review status: criteria provided, single submitter. Criteria: DASA Assertion Criteria. Collection method: clinical testing. Allele origin: germline.
Comment: NM_138615.3(DHX30):c.1175C>T (p.Pro392Leu) is a missense variant that results in the substitution of proline with leucine. This variant is absent from population databases. Computational prediction algorithms are consistent with a benign effect. The currently available literature and clinical evidence are not sufficient to establish a definitive association between this variant and the reported condition. Therefore, this variant is classified as a variant of uncertain significance.

Ambry Genetics
Classification: Uncertain significance for Inborn genetic diseases. Last evaluated: 2025-02-07. Review status: criteria provided, single submitter. Criteria: Ambry Variant Classification Scheme 2023. Collection method: clinical testing. Allele origin: germline.